The following is an entry in ClinVar:

ClinVar aggregate classification (germline): Uncertain significance (1 of 4 stars; one submission).

Conditions:
Familial colorectal cancer. Identifiers: MedGen CN280943, MONDO:0023113. Disease mechanism: loss of function.

Submission:

Labcorp Genetics (formerly Invitae), Labcorp
Classification: Uncertain significance for Familial colorectal cancer. Last evaluated: 2022-02-28. Review status: criteria provided, single submitter. Criteria: Invitae Variant Classification Sherloc (09022015). Collection method: clinical testing. Allele origin: germline.
Comment: This variant results in a copy number gain of the genomic region encompassing the promoter of the GREM1 gene. The precise boundaries of this event are unknown. Two different tandem duplications (40 kb and 16 kb) spanning the 3' end of the SCG5 gene and the region upstream of the GREM1 gene have been reported in families with hereditary mixed polyposis syndrome (PMID: 22561515, 25992589, 26493165). However, the gain identified in this individual is different from those variants, and therefore the impact of the additional duplicated sequences on GREM1 expression and function has not been established. In summary, the available evidence is currently insufficient to determine the role of this variant in disease. Therefore, it has been classified as a Variant of Uncertain Significance.

Literature cited by the submitters: PubMed 22561515; PubMed 25992589; PubMed 26493165.

NC_000015.9:g.(?_32976738)_(33023486_?)dup

Genes: GREM1 (gremlin 1, DAN family BMP antagonist; plus strand), SCG5 (secretogranin V; plus strand). Cytogenetic location: 15q13.3.
Variant type: Duplication.
Identifiers: ClinVar variation 2425860 (VCV002425860.3).